The following is an entry in ClinVar:

NM_002693.3(POLG):c.2981G>A (p.Trp994Ter)

Gene: POLG (DNA polymerase gamma, catalytic subunit; minus strand). Cytogenetic location: 15q26.1.
Variant type: single nucleotide variant.
Coding change: c.2981G>A on transcript NM_002693.3 (MANE Select); coding-DNA position 2981, G replaced by A.
Protein change: p.Trp994Ter; replaces tryptophan 994 with a stop codon.
Molecular consequence: nonsense.
Genome position (GRCh38, 1-based): chr15:89,320,766, C>T on the plus strand (G>A on the coding strand, the complement: POLG is on the minus strand). VCF-style: chr15-89320766-C-T. GRCh37 (hg19) VCF-style: chr15-89863997-C-T.
Other names: c.2981G>A, p.Trp994Ter (NM_001126131.2); short protein forms W994*.
Identifiers: ClinVar variation 3251872 (VCV003251872.1), dbSNP rs2509216498.

ClinVar aggregate classification (germline): Pathogenic (1 of 4 stars; one submission).

Conditions:
POLG-related disorder. Also called: POLG-Related Spectrum Disorders; POLG-related condition; POLG-Related Disorders. Identifiers: MedGen C4763519.

Submission:

Women's Health and Genetics/Laboratory Corporation of America, LabCorp
Classification: Pathogenic for POLG-related disorder. Last evaluated: 2024-04-18. Review status: criteria provided, single submitter. Criteria: LabCorp Variant Classification Summary - May 2015. Collection method: clinical testing. Allele origin: germline.
Comment: Variant summary: POLG c.2981G>A (p.Trp994X) results in a premature termination codon, predicted to cause a truncation of the encoded protein or absence of the protein due to nonsense mediated decay, which are commonly known mechanisms for disease. The variant was absent in 250170 control chromosomes (gnomAD). To our knowledge, no occurrence of c.2981G>A in individuals affected with POLG-Related Spectrum Disorders and no experimental evidence demonstrating its impact on protein function have been reported. No submitters have cited clinical-significance assessments for this variant to ClinVar. Based on the evidence outlined above, the variant was classified as pathogenic.